The following is an entry in ClinVar:

NM_000377.3(WAS):c.800T>G (p.Leu267Arg)

Gene: WAS (WASP actin nucleation promoting factor; plus strand). Cytogenetic location: Xp11.23.
Variant type: single nucleotide variant.
Coding change: c.800T>G on transcript NM_000377.3 (MANE Select); coding-DNA position 800, T replaced by G.
Protein change: p.Leu267Arg; replaces leucine 267 with arginine.
Molecular consequence: missense variant.
Genome position (GRCh38, 1-based): chrX:48,688,322, T>G. VCF-style: chrX-48688322-T-G. GRCh37 (hg19) VCF-style: chrX-48546711-T-G.
Other names: short protein forms L267R.
Identifiers: ClinVar variation 1705081 (VCV001705081.3), dbSNP rs2519285680, ClinGen allele CA412872201.

ClinVar aggregate classification (germline): Uncertain significance (1 of 4 stars; one submission).

Submission:

Women's Health and Genetics/Laboratory Corporation of America, LabCorp
Classification: Uncertain significance. Last evaluated: 2026-01-29. Review status: criteria provided, single submitter. Criteria: LabCorp Variant Classification Summary - May 2015. Collection method: clinical testing. Allele origin: germline.
Comment: Variant summary: WAS c.800T>G (p.Leu267Arg) results in a non-conservative amino acid change located in the CRIB domain (IPR000095) of the encoded protein sequence. Algorithms developed to predict the effect of missense changes on protein structure and function all suggest that this variant is likely to be disruptive. The variant was absent in 170372 control chromosomes. The available data on variant occurrences in the general population are insufficient to allow any conclusion about variant significance. To our knowledge, no occurrence of c.800T>G in individuals affected with WAS-related conditions and no experimental evidence demonstrating its impact on protein function have been reported. ClinVar contains an entry for this variant (Variation ID: 1705081). Based on the evidence outlined above, the variant was classified as uncertain significance.